The following is an entry in ClinVar:

ClinVar aggregate classification (germline): Conflicting classifications of pathogenicity. Review status: criteria provided, conflicting classifications (1 of 4 stars). 3 submissions from 3 submitters: Pathogenic (1); Likely pathogenic (1); Uncertain significance (1). Last evaluated 2025-06-04.

Conditions:
Autosomal recessive axonal neuropathy with neuromyotonia (NMAN). Also called: MYOKYMIA, MYOTONIA, AND MUSCLE WASTING; Neuromyotonia and axonal neuropathy, autosomal recessive; Gamstorp-Wohlfart syndrome. Identifiers: Orphanet 324442, MedGen C5700127, MONDO:0007646, OMIM 137200.

Allele frequency attached by ClinVar (database versions not stated): gnomAD 0.00001; gnomAD exomes 0.00001; ExAC 0.00002.
gnomAD v4.1: 16 of 1,612,108 alleles (0.00099%); highest among the groups gnomAD compares: Admixed American, 0.0017%; no homozygotes.

Submissions (3):

Women's Health and Genetics/Laboratory Corporation of America, LabCorp
Classification: Likely pathogenic for Autosomal recessive axonal neuropathy with neuromyotonia. Last evaluated: 2025-06-04. Review status: criteria provided, single submitter. Criteria: LabCorp Variant Classification Summary - May 2015. Collection method: clinical testing. Allele origin: germline.
Comment: Variant summary: HINT1 c.355C>T (p.Arg119Trp) results in a non-conservative amino acid change in the encoded protein sequence. Algorithms developed to predict the effect of missense changes on protein structure and function all suggest that this variant is likely to be disruptive. The variant allele was found at a frequency of 8e-06 in 251078 control chromosomes. c.355C>T has been observed in homozygous individuals affected with Autosomal Recessive Axonal Neuropathy With Neuromyotonia (Xu_2019, Paketci_2020 ). These data indicate that the variant is likely to be associated with disease. To our knowledge, no experimental evidence demonstrating an impact on protein function has been reported. The following publications have been ascertained in the context of this evaluation (PMID: 32709422, 31400136). ClinVar contains an entry for this variant (Variation ID: 978220). Based on the evidence outlined above, the variant was classified as likely pathogenic.

Labcorp Genetics (formerly Invitae), Labcorp
Classification: Uncertain significance for Autosomal recessive axonal neuropathy with neuromyotonia. Last evaluated: 2020-12-01. Review status: criteria provided, single submitter. Criteria: Invitae Variant Classification Sherloc (09022015). Collection method: clinical testing. Allele origin: germline.
Comment: This variant is present in population databases (rs768248277, ExAC 0.009%). This sequence change replaces arginine with tryptophan at codon 119 of the HINT1 protein (p.Arg119Trp). The arginine residue is moderately conserved and there is a moderate physicochemical difference between arginine and tryptophan. This variant has been observed in individual(s) with clinical features of myotonia (PMID: 31400136). ClinVar contains an entry for this variant (Variation ID: 978220). In summary, the available evidence is currently insufficient to determine the role of this variant in disease. Therefore, it has been classified as a Variant of Uncertain Significance. Algorithms developed to predict the effect of missense changes on protein structure and function are either unavailable or do not agree on the potential impact of this missense change (SIFT: "Deleterious"; PolyPhen-2: "Benign"; Align-GVGD: "Class C0").

Medical Genetics Laboratory, West China Hospital, Sichuan University
Classification: Pathogenic for Autosomal recessive axonal neuropathy with neuromyotonia. Review status: criteria provided, single submitter. Criteria: ACMG Guidelines, 2015. Collection method: research. Allele origin: germline. Inheritance: Autosomal recessive inheritance. Affected: yes.
Comment: The p.His119 site is highly conserved during evolution. The SIFT, Polyphen-2 and Provean softwares predict that the variant is damaging.

Literature cited by the submitters: PubMed 32709422 (cited by Women's Health and Genetics/Laboratory Corporation of America, LabCorp); PubMed 31400136 (cited by 3 submitters).

NM_005340.7(HINT1):c.355C>T (p.Arg119Trp)

Gene: HINT1 (histidine triad nucleotide binding protein 1; minus strand). Cytogenetic location: 5q23.3.
Variant type: single nucleotide variant.
Coding change: c.355C>T on transcript NM_005340.7 (MANE Select); coding-DNA position 355, C replaced by T.
Protein change: p.Arg119Trp; replaces arginine 119 with tryptophan.
Molecular consequence: missense variant. On other transcripts: non-coding transcript variant (5).
Genome position (GRCh38, 1-based): chr5:131,159,473, G>A on the plus strand (C>T on the coding strand, the complement: HINT1 is on the minus strand). VCF-style: chr5-131159473-G-A. GRCh37 (hg19) VCF-style: chr5-130495166-G-A.
Other names: short protein forms R119W.
Identifiers: ClinVar variation 978220 (VCV000978220.10), dbSNP rs768248277, ClinGen allele CA3398551.